The following is an entry in ClinVar:

NM_000719.7(CACNA1C):c.6117G>A (p.Ala2039=)

Genes: CACNA1C (calcium voltage-gated channel subunit alpha1 C; plus strand), CACNA1C-AS1 (CACNA1C antisense RNA 1; minus strand). Cytogenetic location: 12p13.33.
Variant type: single nucleotide variant.
Coding change: c.6117G>A on transcript NM_000719.7 (MANE Select); coding-DNA position 6117, G replaced by A.
Protein change: p.Ala2039=; no amino-acid change (alanine 2039 retained).
Molecular consequence: synonymous variant.
Genome position (GRCh38, 1-based): chr12:2,688,779, G>A. VCF-style: chr12-2688779-G-A. GRCh37 (hg19) VCF-style: chr12-2797945-G-A.
Other names: c.6240G>A, p.Ala2080= (NM_001129829.2); c.6222G>A, p.Ala2074= (NM_001129830.3, NM_001167624.3); c.6201G>A, p.Ala2067= (NM_001129831.2); c.6177G>A, p.Ala2059= (NM_001129832.2); c.6174G>A, p.Ala2058= (NM_001129833.2, NM_001129834.2, NM_001129835.2); c.6168G>A, p.Ala2056= (NM_001129836.2); c.6141G>A, p.Ala2047= (NM_001129837.2, NM_001129838.2); c.6135G>A, p.Ala2045= (NM_001129839.2); and 6 more.
Identifiers: ClinVar variation 2730296 (VCV002730296.18), dbSNP rs1308508828, ClinGen allele CA477903171.

ClinVar aggregate classification (germline): Uncertain significance. Review status: criteria provided, multiple submitters, no conflicts (2 of 4 stars). 3 submissions from 3 submitters: Uncertain significance (3). Last evaluated 2024-10-01.

Conditions:
Cardiovascular phenotype. Identifiers: MedGen CN230736.
Long QT syndrome (LQTS). Identifiers: MedGen C0023976, MeSH D008133, MONDO:0002442. Disease mechanism: loss of function. Inheritance: Various modes of inheritance.

Allele frequency attached by ClinVar (database versions not stated): gnomAD 0.00001; TOPMed 0.00001.
gnomAD v4.1: 11 of 1,519,378 alleles (0.00072%); highest among the groups gnomAD compares: East Asian, 0.0024%; no homozygotes.

Submissions (3):

CeGaT Center for Human Genetics Tuebingen
Classification: Uncertain significance. Last evaluated: 2024-10-01. Review status: criteria provided, single submitter. Criteria: CeGaT Center For Human Genetics Tuebingen Variant Classification Criteria Version 2. Collection method: clinical testing. Allele origin: germline. Affected: yes. Observed: 1 variant allele.

Ambry Genetics
Classification: Uncertain significance for Cardiovascular phenotype. Last evaluated: 2024-04-25. Review status: criteria provided, single submitter. Criteria: Ambry Variant Classification Scheme 2023. Collection method: clinical testing. Allele origin: germline.
Comment: The c.6117G>A variant (also known as p.A2039A), located in coding exon 46 of the CACNA1C gene, results from a G to A substitution at nucleotide position 6117. This nucleotide substitution does not change the amino acid at codon 2039. However, this change occurs in the last base pair of coding exon 46, which makes it likely to have some effect on normal mRNA splicing. This nucleotide position is well conserved in available vertebrate species. In silico splice site analysis predicts that this alteration may weaken the native splice donor site. Based on the available evidence, the clinical significance of this variant remains unclear.

Labcorp Genetics (formerly Invitae), Labcorp
Classification: Uncertain significance for Long QT syndrome. Last evaluated: 2023-11-02. Review status: criteria provided, single submitter. Criteria: Invitae Variant Classification Sherloc (09022015). Collection method: clinical testing. Allele origin: germline.
Comment: This sequence change affects codon 2039 of the CACNA1C mRNA. It is a 'silent' change, meaning that it does not change the encoded amino acid sequence of the CACNA1C protein. This variant also falls at the last nucleotide of exon 46, which is part of the consensus splice site for this exon. The frequency data for this variant in the population databases is considered unreliable, as metrics indicate poor data quality at this position in the gnomAD database. This variant has not been reported in the literature in individuals affected with CACNA1C-related conditions. Variants that disrupt the consensus splice site are a relatively common cause of aberrant splicing (PMID: 17576681, 9536098). Algorithms developed to predict the effect of sequence changes on RNA splicing suggest that this variant may disrupt the consensus splice site. In summary, the available evidence is currently insufficient to determine the role of this variant in disease. Therefore, it has been classified as a Variant of Uncertain Significance.

Literature cited by the submitters: PubMed 17576681 (cited by Labcorp Genetics (formerly Invitae), Labcorp); PubMed 9536098 (cited by Labcorp Genetics (formerly Invitae), Labcorp).